The following is an entry in ClinVar:

NM_001457.4(FLNB):c.498A>T (p.Gln166His)

Gene: FLNB (filamin B; plus strand). Cytogenetic location: 3p14.3.
Variant type: single nucleotide variant.
Coding change: c.498A>T on transcript NM_001457.4 (MANE Select); coding-DNA position 498, A replaced by T.
Protein change: p.Gln166His; replaces glutamine 166 with histidine.
Molecular consequence: missense variant.
Genome position (GRCh38, 1-based): chr3:58,077,251, A>T. VCF-style: chr3-58077251-A-T. GRCh37 (hg19) VCF-style: chr3-58062978-A-T.
Other names: c.498A>T, p.Gln166His (NM_001164317.2, NM_001164318.2, NM_001164319.2); short protein forms Q166H.
Identifiers: ClinVar variation 1022038 (VCV001022038.5), dbSNP rs2097202948, ClinGen allele CA353333565.

ClinVar aggregate classification (germline): Uncertain significance (1 of 4 stars; one submission).

Allele frequency attached by ClinVar (database versions not stated): TOPMed 0.00001.

Submission:

Labcorp Genetics (formerly Invitae), Labcorp
Classification: Uncertain significance. Last evaluated: 2025-01-27. Review status: criteria provided, single submitter. Criteria: Invitae Variant Classification Sherloc (09022015). Collection method: clinical testing. Allele origin: germline.
Comment: This sequence change replaces glutamine, which is neutral and polar, with histidine, which is basic and polar, at codon 166 of the FLNB protein (p.Gln166His). This variant is not present in population databases (gnomAD no frequency). This variant has not been reported in the literature in individuals affected with FLNB-related conditions. ClinVar contains an entry for this variant (Variation ID: 1022038). Invitae Evidence Modeling of protein sequence and biophysical properties (such as structural, functional, and spatial information, amino acid conservation, physicochemical variation, residue mobility, and thermodynamic stability) indicates that this missense variant is not expected to disrupt FLNB protein function with a negative predictive value of 95%. In summary, the available evidence is currently insufficient to determine the role of this variant in disease. Therefore, it has been classified as a Variant of Uncertain Significance.